The following is an entry in ClinVar:

NM_004813.4(PEX16):c.694+6C>A

Gene: PEX16 (peroxisomal biogenesis factor 16; minus strand). Cytogenetic location: 11p11.2.
Variant type: single nucleotide variant.
Coding change: c.694+6C>A on transcript NM_004813.4 (MANE Select); 6 bases into the intron after coding-DNA position 694, C replaced by A.
Molecular consequence: intron variant.
Genome position (GRCh38, 1-based): chr11:45,914,310, G>T on the plus strand (C>A on the coding strand, the complement: PEX16 is on the minus strand). VCF-style: chr11-45914310-G-T. GRCh37 (hg19) VCF-style: chr11-45935861-G-T.
Other names: c.694+6C>A (NM_057174.3).
Identifiers: ClinVar variation 1488745 (VCV001488745.6), dbSNP rs2134692834, ClinGen allele CA2573146333.

ClinVar aggregate classification (germline): Uncertain significance (1 of 4 stars; one submission).

Conditions:
Peroxisome biogenesis disorder. Identifiers: Orphanet 79189, MedGen C1832200, MONDO:0019234. Disease mechanism: loss of function.

Submission:

Labcorp Genetics (formerly Invitae), Labcorp
Classification: Uncertain significance for Peroxisome biogenesis disorder. Last evaluated: 2022-07-27. Review status: criteria provided, single submitter. Criteria: Invitae Variant Classification Sherloc (09022015). Collection method: clinical testing. Allele origin: germline.
Comment: This sequence change falls in intron 7 of the PEX16 gene. It does not directly change the encoded amino acid sequence of the PEX16 protein. It affects a nucleotide within the consensus splice site. This variant is not present in population databases (gnomAD no frequency). This variant has not been reported in the literature in individuals affected with PEX16-related conditions. ClinVar contains an entry for this variant (Variation ID: 1488745). Variants that disrupt the consensus splice site are a relatively common cause of aberrant splicing (PMID: 17576681, 9536098). Algorithms developed to predict the effect of sequence changes on RNA splicing suggest that this variant may disrupt the consensus splice site. In summary, the available evidence is currently insufficient to determine the role of this variant in disease. Therefore, it has been classified as a Variant of Uncertain Significance.

Literature cited by the submitters: PubMed 17576681; PubMed 9536098.